The following is an entry in ClinVar:

ClinVar aggregate classification (germline): Pathogenic (1 of 4 stars; one submission).

Submission:

Labcorp Genetics (formerly Invitae), Labcorp
Classification: Pathogenic. Last evaluated: 2021-09-09. Review status: criteria provided, single submitter. Criteria: Invitae Variant Classification Sherloc (09022015). Collection method: clinical testing. Allele origin: germline.
Comment: For these reasons, this variant has been classified as Pathogenic. This variant disrupts the triple helix domain of COL4A5. Glycine residues within the Gly-Xaa-Yaa repeats of the triple helix domain are required for the structure and stability of fibrillar collagens (PMID: 7695699, 8218237, 19344236). In COL4A5, missense variants at these glycine residues are significantly enriched in individuals with disease (PMID: 23720012, 27627812) compared to the general population (ExAC). This variant has not been reported in the literature in individuals affected with COL4A5-related conditions. This variant is a gross deletion of the genomic region encompassing exon(s) 5-6 of the COL4A5 gene. This variant would be expected to be in-frame, preserving the integrity of the reading frame.

Literature cited by the submitters: PubMed 7695699; PubMed 8218237; PubMed 19344236; PubMed 23720012; PubMed 27627812.

NC_000023.10:g.(?_107811839)_(107812071_?)del

Gene: COL4A5 (collagen type IV alpha 5 chain; plus strand). Cytogenetic location: Xq22.3.
Variant type: Deletion.
Identifiers: ClinVar variation 1436027 (VCV001436027.4).